The following is an entry in ClinVar:

NM_133497.4(KCNV2):c.1636T>G (p.Ter546Glu)

Gene: KCNV2 (potassium voltage-gated channel modifier subfamily V member 2; plus strand). Cytogenetic location: 9p24.2.
Variant type: single nucleotide variant.
Coding change: c.1636T>G on transcript NM_133497.4 (MANE Select); coding-DNA position 1636, T replaced by G.
Protein change: p.Ter546Glu.
Molecular consequence: stop lost.
Genome position (GRCh38, 1-based): chr9:2,729,725, T>G. VCF-style: chr9-2729725-T-G. GRCh37 (hg19) VCF-style: chr9-2729725-T-G.
Identifiers: ClinVar variation 1447649 (VCV001447649.6), dbSNP rs1820036621, ClinGen allele CA372803892.

ClinVar aggregate classification (germline): Uncertain significance (1 of 4 stars; one submission).

Allele frequency attached by ClinVar (database versions not stated): gnomAD 0.00001; TOPMed 0.00001.
gnomAD v4.1: 2 of 1,613,830 alleles (0.00012%); highest among the groups gnomAD compares: African/African-American, 0.0027%; no homozygotes.

Submission:

Labcorp Genetics (formerly Invitae), Labcorp
Classification: Uncertain significance. Last evaluated: 2021-08-15. Review status: criteria provided, single submitter. Criteria: Invitae Variant Classification Sherloc (09022015). Collection method: clinical testing. Allele origin: germline.
Comment: In summary, the available evidence is currently insufficient to determine the role of this variant in disease. Therefore, it has been classified as a Variant of Uncertain Significance. This variant results in an extension of the KCNV2 protein. Other variant(s) that result in a similarly extended protein product (p.*546Glnext*60, p.*546Tyrext*60) have been observed in individuals with KCNV2-related disease (PMID: 17896311, 19952985). This suggests that these extensions may be clinically significant. This variant has not been reported in the literature in individuals affected with KCNV2-related conditions. This variant is not present in population databases (ExAC no frequency). This sequence change disrupts the translational stop signal of the KCNV2 mRNA. It is expected to extend the length of the KCNV2 protein by 60 additional amino acid residues.

Literature cited by the submitters: PubMed 17896311; PubMed 19952985.